The following is an entry in ClinVar:

NM_031935.3(HMCN1):c.11277A>C (p.Arg3759Ser)

Gene: HMCN1 (hemicentin 1; plus strand). Cytogenetic location: 1q31.1.
Variant type: single nucleotide variant.
Coding change: c.11277A>C on transcript NM_031935.3 (MANE Select); coding-DNA position 11277, A replaced by C.
Protein change: p.Arg3759Ser; replaces arginine 3759 with serine.
Molecular consequence: missense variant.
Genome position (GRCh38, 1-based): chr1:186,114,819, A>C. VCF-style: chr1-186114819-A-C. GRCh37 (hg19) VCF-style: chr1-186083951-A-C.
Other names: short protein forms R3759S.
Identifiers: ClinVar variation 4750808 (VCV004750808.1).

ClinVar aggregate classification (germline): Uncertain significance (1 of 4 stars; one submission).

Submission:

Labcorp Genetics (formerly Invitae), Labcorp
Classification: Uncertain significance. Last evaluated: 2025-09-15. Review status: criteria provided, single submitter. Criteria: Invitae Variant Classification Sherloc (09022015). Collection method: clinical testing. Allele origin: germline.
Comment: This sequence change replaces arginine, which is basic and polar, with serine, which is neutral and polar, at codon 3759 of the HMCN1 protein (p.Arg3759Ser). This variant is not present in population databases (gnomAD no frequency). This variant has not been reported in the literature in individuals affected with HMCN1-related conditions. An algorithm developed to predict the effect of missense changes on protein structure and function (PolyPhen-2) suggests that this variant is likely to be disruptive. In summary, the available evidence is currently insufficient to determine the role of this variant in disease. Therefore, it has been classified as a Variant of Uncertain Significance.